The following is an entry in ClinVar:

ClinVar aggregate classification (germline): Uncertain significance (1 of 4 stars; one submission).

Conditions:
Larsen syndrome (LRS). Also called: Bilateral dislocation of the knees, pes cavus, cylindrically shaped fingers and characteristic facies; Larsen syndrome (FLNB-LS). Identifiers: Orphanet 503, MedGen C0175778, MONDO:0007875, OMIM 150250. Disease mechanism: loss of function.

Allele frequency attached by ClinVar (database versions not stated): ExAC 0.00001; gnomAD 0.00001; TOPMed 0.00001; gnomAD exomes 0.00002.
gnomAD v4.1: 11 of 1,613,994 alleles (0.00068%); highest among the groups gnomAD compares: African/African-American, 0.0013%; no homozygotes.

Submission:

Institute of Immunology and Genetics Kaiserslautern
Classification: Uncertain significance for Larsen syndrome. Last evaluated: 2024-03-27. Review status: criteria provided, single submitter. Criteria: ACMG Guidelines, 2015. Collection method: clinical testing. Allele origin: germline. Affected: yes.
Comment: ACMG Criteria: PM2_P, PP3 Variant was found in heterozygous state

NM_001457.4(FLNB):c.4520T>C (p.Phe1507Ser)

Gene: FLNB (filamin B; plus strand). Cytogenetic location: 3p14.3.
Variant type: single nucleotide variant.
Coding change: c.4520T>C on transcript NM_001457.4 (MANE Select); coding-DNA position 4520, T replaced by C.
Protein change: p.Phe1507Ser; replaces phenylalanine 1507 with serine.
Molecular consequence: missense variant.
Genome position (GRCh38, 1-based): chr3:58,134,621, T>C. VCF-style: chr3-58134621-T-C. GRCh37 (hg19) VCF-style: chr3-58120348-T-C.
Other names: c.4613T>C, p.Phe1538Ser (NM_001164317.2); c.4520T>C, p.Phe1507Ser (NM_001164318.2, NM_001164319.2); short protein forms F1507S, F1538S.
Identifiers: ClinVar variation 3235076 (VCV003235076.1), dbSNP rs765086454, ClinGen allele CA2468814.
Genomic context (GRCh38, chr3:58,134,621, plus strand): 5'-GCTGGGTTGACATGTATCTTTATTGACTAGGGTGTGTGTGTGTGTGTCTATCAAGTCCCT[T>C]CAAGGTCAAGGTCCTTCCCACATATGATGCCAGCAAAGTGACTGCCAGTGGCCCCGGCCT-3'
Protein context (NP_001448.2, residues 1497-1517): YADEEIPRSP[Phe1507Ser]KVKVLPTYDA